The following is an entry in ClinVar:

ClinVar aggregate classification (germline): Uncertain significance (1 of 4 stars; one submission).

Conditions:
Aortic aneurysm, familial thoracic 7 (AAT7). Also called: AORTIC DISSECTION, FAMILIAL, WITH OR WITHOUT AORTIC ANEURYSM. Identifiers: MedGen C3151077, MONDO:0013418, OMIM 613780.

gnomAD v4.1: 2 of 1,613,562 alleles (0.00012%); highest among the groups gnomAD compares: East Asian, 0.0022%; no homozygotes.

Submission:

Labcorp Genetics (formerly Invitae), Labcorp
Classification: Uncertain significance for Aortic aneurysm, familial thoracic 7. Last evaluated: 2024-11-05. Review status: criteria provided, single submitter. Criteria: Invitae Variant Classification Sherloc (09022015). Collection method: clinical testing. Allele origin: germline.
Comment: This sequence change replaces proline, which is neutral and non-polar, with serine, which is neutral and polar, at codon 1025 of the MYLK protein (p.Pro1025Ser). This variant is present in population databases (no rsID available, gnomAD 0.06%). This variant has not been reported in the literature in individuals affected with MYLK-related conditions. Invitae Evidence Modeling of protein sequence and biophysical properties (such as structural, functional, and spatial information, amino acid conservation, physicochemical variation, residue mobility, and thermodynamic stability) indicates that this missense variant is not expected to disrupt MYLK protein function with a negative predictive value of 80%. In summary, the available evidence is currently insufficient to determine the role of this variant in disease. Therefore, it has been classified as a Variant of Uncertain Significance.

NM_053025.4(MYLK):c.3073C>T (p.Pro1025Ser)

Gene: MYLK (myosin light chain kinase; minus strand). Cytogenetic location: 3q21.1.
Variant type: single nucleotide variant.
Coding change: c.3073C>T on transcript NM_053025.4 (MANE Select); coding-DNA position 3073, C replaced by T.
Protein change: p.Pro1025Ser; replaces proline 1025 with serine.
Molecular consequence: missense variant.
Genome position (GRCh38, 1-based): chr3:123,700,395, G>A on the plus strand (C>T on the coding strand, the complement: MYLK is on the minus strand). VCF-style: chr3-123700395-G-A. GRCh37 (hg19) VCF-style: chr3-123419242-G-A.
Other names: c.2545C>T, p.Pro849Ser (NM_001321309.2); c.2866C>T, p.Pro956Ser (NM_053026.4, NM_053028.4); c.3073C>T, p.Pro1025Ser (NM_053027.4); short protein forms P849S, P956S, P1025S.
Identifiers: ClinVar variation 3682352 (VCV003682352.2).